The following is an entry in ClinVar:

ClinVar aggregate classification (germline): Uncertain significance (1 of 4 stars; one submission).

Conditions:
Benign neonatal seizures. Also called: Benign familial neonatal seizures; Convulsions benign familial neonatal dominant form; Autosomal dominant form of benign neonatal seizures; Benign familial neonatal epilepsy; Benign neonatal familial convulsions. Identifiers: Orphanet 1949, MedGen C0220669, MONDO:0016027.

Submission:

Labcorp Genetics (formerly Invitae), Labcorp
Classification: Uncertain significance for Benign neonatal seizures. Last evaluated: 2025-05-07. Review status: criteria provided, single submitter. Criteria: Invitae Variant Classification Sherloc (09022015). Collection method: clinical testing. Allele origin: germline.
Comment: This sequence change replaces glycine, which is neutral and non-polar, with isoleucine, which is neutral and non-polar, at codon 691 of the KCNQ3 protein (p.Gly691Ile). Information on the frequency of this variant in the gnomAD database is not available, as this variant may be reported differently in the database. This variant has not been reported in the literature in individuals affected with KCNQ3-related conditions. An algorithm developed to predict the effect of missense changes on protein structure and function (PolyPhen-2) suggests that this variant is likely to be tolerated. In summary, the available evidence is currently insufficient to determine the role of this variant in disease. Therefore, it has been classified as a Variant of Uncertain Significance.

NM_004519.4(KCNQ3):c.2071_2073delinsATA (p.Gly691Ile)

Gene: KCNQ3 (potassium voltage-gated channel subfamily Q member 3; minus strand). Cytogenetic location: 8q24.22.
Variant type: Indel.
Coding change: c.2071_2073delinsATA on transcript NM_004519.4 (MANE Select); coding-DNA positions 2071 to 2073, GGC replaced by ATA.
Protein change: p.Gly691Ile; replaces glycine 691 with isoleucine.
Molecular consequence: missense variant.
Genome position (GRCh38, 1-based): chr8:132,129,808-132,129,810, GCC replaced by TAT on the plus strand (GGC replaced by ATA on the coding strand, the reverse complement: KCNQ3 is on the minus strand). VCF-style: chr8-132129808-GCC-TAT. GRCh37 (hg19) VCF-style: chr8-133142055-GCC-TAT.
Other names: c.1711_1713delinsATA, p.Gly571Ile (NM_001204824.2); short protein forms G571I, G691I.
Identifiers: ClinVar variation 4797900 (VCV004797900.1).
Genomic context (GRCh38, chr8:132,129,808, plus strand): 5'-CCCATAGGGGCTGACTTTGTCAATGGTCACCTGGTGGAAGCTGTAGGGTGGTTCCGGGGG[GCC>TAT]TGTCTCAGAATAGTTGCAGATGATGGTTTTCAAATCGGAATACCTGTTGTCCTCCTTCTT-3'
Protein context (NP_004510.1, residues 681-701): KTIICNYSET[Gly691Ile]PPEPPYSFHQ